The following is an entry in ClinVar:

ClinVar aggregate classification (germline): Likely pathogenic (0 of 4 stars; one submission).

Conditions:
Ovarian dysgenesis 1 (ODG1). Also called: Gonadal dysgenesis XX type deafness; OVARIAN DYSGENESIS, HYPERGONADOTROPIC, AUTOSOMAL RECESSIVE; OVARIAN DYSGENESIS, HYPERGONADOTROPIC, WITH NORMAL KARYOTYPE; OVARIAN FAILURE, HYPERGONADOTROPIC; GONADAL DYSGENESIS, XX TYPE. Identifiers: Orphanet 243, MedGen C0949595, MONDO:0024463, OMIM 233300.

Submission:

Juha Muilu Group; Institute for Molecular Medicine Finland (FIMM)
Classification: Likely pathogenic for Ovarian dysgenesis 1. Review status: no assertion criteria provided. Collection method: not provided. Allele origin: unknown.
Comment: FinDis database variant: This variant was not found or characterized by our laboratory, data were collected from public sources: see reference
ClinVar note: Converted during submission from probable-pathogenic to Likely pathogenic.

NM_000145.4(FSHR):c.1801C>G (p.Leu601Val)

Gene: FSHR (follicle stimulating hormone receptor; minus strand). Cytogenetic location: 2p16.3.
Variant type: single nucleotide variant.
Coding change: c.1801C>G on transcript NM_000145.4 (MANE Select); coding-DNA position 1801, C replaced by G.
Protein change: p.Leu601Val; replaces leucine 601 with valine.
Molecular consequence: missense variant.
Genome position (GRCh38, 1-based): chr2:48,963,020, G>C on the plus strand (C>G on the coding strand, the complement: FSHR is on the minus strand). VCF-style: chr2-48963020-G-C. GRCh37 (hg19) VCF-style: chr2-49190159-G-C.
Other names: c.1723C>G, p.Leu575Val (NM_181446.3); short protein forms L575V, L601V.
Identifiers: ClinVar variation 56032 (VCV000056032.2), dbSNP rs386833513, ClinGen allele CA144124.